The following is an entry in ClinVar:

ClinVar aggregate classification (germline): Uncertain significance (1 of 4 stars; one submission).

Conditions:
Norman-Roberts syndrome (LIS2). Also called: Lissencephaly 2 (Norman-Roberts type). Identifiers: Orphanet 89844, MedGen C0796089, MONDO:0009760, OMIM 257320.
Familial temporal lobe epilepsy 7. Identifiers: Orphanet 101046, MedGen C4225327, MONDO:0014639, OMIM 616436.

Submission:

Labcorp Genetics (formerly Invitae), Labcorp
Classification: Uncertain significance for Familial temporal lobe epilepsy 7; Norman-Roberts syndrome. Last evaluated: 2019-03-13. Review status: criteria provided, single submitter. Criteria: Invitae Variant Classification Sherloc (09022015). Collection method: clinical testing. Allele origin: germline.
Comment: In summary, the available evidence is currently insufficient to determine the role of this variant in disease. Therefore, it has been classified as a Variant of Uncertain Significance. Algorithms developed to predict the effect of missense changes on protein structure and function are either unavailable or do not agree on the potential impact of this missense change (SIFT: "Deleterious"; PolyPhen-2: "Benign"; Align-GVGD: "Class C0"). This variant has not been reported in the literature in individuals with RELN-related conditions. This variant is not present in population databases (ExAC no frequency). This sequence change replaces serine with asparagine at codon 1677 of the RELN protein (p.Ser1677Asn). The serine residue is highly conserved and there is a small physicochemical difference between serine and asparagine.

NM_005045.4(RELN):c.5030G>A (p.Ser1677Asn)

Gene: RELN (reelin; minus strand). Cytogenetic location: 7q22.1.
Variant type: single nucleotide variant.
Coding change: c.5030G>A on transcript NM_005045.4 (MANE Select); coding-DNA position 5030, G replaced by A.
Protein change: p.Ser1677Asn; replaces serine 1677 with asparagine.
Molecular consequence: missense variant.
Genome position (GRCh38, 1-based): chr7:103,565,458, C>T on the plus strand (G>A on the coding strand, the complement: RELN is on the minus strand). VCF-style: chr7-103565458-C-T. GRCh37 (hg19) VCF-style: chr7-103205905-C-T.
Other names: c.5030G>A, p.Ser1677Asn (NM_173054.3); short protein forms S1677N.
Identifiers: ClinVar variation 847618 (VCV000847618.9), dbSNP rs1830729426, ClinGen allele CA368746365.
Genomic context (GRCh38, chr7:103,565,458, plus strand): 5'-ACAAGATGCCAGTCCTTGCCATTGTTCAGAGAATACTGGAGCTGTACACTGTGGGAGTTG[C>T]TGAAGGGCTTGCTACAGCCCATGCTCATTTCAAACTGCAAAAAGGTAGATGCTGACACAT-3'
Protein context (NP_005036.2, residues 1667-1687): EMSMGCSKPF[Ser1677Asn]NSHSVQLQYS